The following is an entry in ClinVar:

ClinVar aggregate classification (germline): Uncertain significance (1 of 4 stars; one submission).

Submission:

GeneDx
Classification: Uncertain significance. Last evaluated: 2024-08-28. Review status: criteria provided, single submitter. Criteria: GeneDx Variant Classification Process June 2021. Collection method: clinical testing. Allele origin: germline. Affected: yes.
Comment: Not observed at significant frequency in large population cohorts (gnomAD); In silico analysis supports that this missense variant has a deleterious effect on protein structure/function; Has not been previously published as pathogenic or benign to our knowledge

NM_000516.7(GNAS):c.541A>G (p.Lys181Glu)

Gene: GNAS (GNAS complex locus; plus strand). Cytogenetic location: 20q13.32.
Variant type: single nucleotide variant.
Coding change: c.541A>G on transcript NM_000516.7 (MANE Select); coding-DNA position 541, A replaced by G.
Protein change: p.Lys181Glu; replaces lysine 181 with glutamic acid.
Molecular consequence: missense variant. On other transcripts: 3 prime UTR variant (2).
Genome position (GRCh38, 1-based): chr20:58,909,172, A>G. VCF-style: chr20-58909172-A-G. GRCh37 (hg19) VCF-style: chr20-57484227-A-G.
Other names: c.544A>G, p.Lys182Glu (NM_001077488.5); c.496A>G, p.Lys166Glu (NM_001077489.4); c.*402A>G (NM_001077490.3); c.364A>G, p.Lys122Glu (NM_001309840.2, NM_001309861.2); c.445A>G, p.Lys149Glu (NM_001410912.1); c.2425A>G, p.Lys809Glu (NM_001410913.1); c.*447A>G (NM_016592.5); c.2470A>G, p.Lys824Glu (NM_080425.4); and 1 more; short protein forms K122E, K149E, K166E, K167E, K181E, K182E, K809E, K824E.
Identifiers: ClinVar variation 2429510 (VCV002429510.2), dbSNP rs2517224880, ClinGen allele CA409451961.